The following is an entry in ClinVar:

ClinVar aggregate classification (germline): Uncertain significance. Review status: criteria provided, multiple submitters, no conflicts (2 of 4 stars). 4 submissions from 4 submitters: Uncertain significance (4). Last evaluated 2026-04-28.

Conditions:
LRP5-related disorder. Also called: LRP5-related condition.
Osteoporosis with pseudoglioma (OPPG). Also called: osteoporosis-pseudoglioma syndrome. Identifiers: Orphanet 2788, MedGen C0432252, MONDO:0009820, OMIM 259770.
Exudative vitreoretinopathy 1 (EVR1). Also called: CRISWICK-SCHEPENS SYNDROME; FEVR, AUTOSOMAL DOMINANT; Familial exudative vitreoretinopathy, autosomal dominant. Identifiers: Orphanet 891, Orphanet 90050, MedGen C1851402, MONDO:0007589, OMIM 133780.
Polycystic liver disease 4 with or without kidney cysts. Identifiers: MedGen C4693479, MONDO:0044327, OMIM 617875.
Autosomal dominant osteopetrosis 1 (OPTA1). Also called: OSTEOPETROSIS, AUTOSOMAL DOMINANT, TYPE I. Identifiers: Orphanet 2783, MedGen C1843330, MONDO:0011877, OMIM 607634.
Exudative vitreoretinopathy 4 (EVR4). Identifiers: Orphanet 891, MedGen C1866176, MONDO:0011151, OMIM 601813.
Worth disease. Also called: Autosomal dominant osteosclerosis, Worth type; ENDOSTEAL HYPEROSTOSIS, AUTOSOMAL DOMINANT; OSTEOSCLEROSIS, AUTOSOMAL DOMINANT. Identifiers: Orphanet 2790, MedGen C0432273, MONDO:0007764, OMIM 144750.
Bone mineral density quantitative trait locus 1 (BMND1). Identifiers: MedGen C1866079, OMIM 601884.
Osteoporosis. Identifiers: MedGen C0029456, MONDO:0005298, OMIM 166710, HP:0000939.

Allele frequency attached by ClinVar (database versions not stated): ExAC 0.00001; gnomAD 0.00001; gnomAD exomes 0.00001 and 0.00003; TOPMed 0.00002; ESP Exome Variant Server 0.00008.

Submissions (4):

PreventionGenetics, part of Exact Sciences
Classification: Uncertain significance for LRP5-related condition. Last evaluated: 2026-04-28. Review status: criteria provided, single submitter. Criteria: ACMG Guidelines, 2015. Collection method: clinical testing. Allele origin: germline.
Comment: The LRP5 c.130C>T variant is predicted to result in the amino acid substitution p.Arg44Trp. To our knowledge, this variant has not been reported in the literature. This variant is reported in 0.0027% of alleles in individuals of European (Non-Finnish) descent in gnomAD. At this time, the clinical significance of this variant is uncertain due to the absence of conclusive functional and genetic evidence.

Labcorp Genetics (formerly Invitae), Labcorp
Classification: Uncertain significance. Last evaluated: 2025-05-05. Review status: criteria provided, single submitter. Criteria: Invitae Variant Classification Sherloc (09022015). Collection method: clinical testing. Allele origin: germline.
Comment: This sequence change replaces arginine, which is basic and polar, with tryptophan, which is neutral and slightly polar, at codon 44 of the LRP5 protein (p.Arg44Trp). This variant is present in population databases (rs371690402, gnomAD 0.003%). This variant has not been reported in the literature in individuals affected with LRP5-related conditions. ClinVar contains an entry for this variant (Variation ID: 1046369). Invitae Evidence Modeling of protein sequence and biophysical properties (such as structural, functional, and spatial information, amino acid conservation, physicochemical variation, residue mobility, and thermodynamic stability) indicates that this missense variant is expected to disrupt LRP5 protein function with a positive predictive value of 95%. In summary, the available evidence is currently insufficient to determine the role of this variant in disease. Therefore, it has been classified as a Variant of Uncertain Significance.

Women's Health and Genetics/Laboratory Corporation of America, LabCorp
Classification: Uncertain significance. Last evaluated: 2025-03-14. Review status: criteria provided, single submitter. Criteria: LabCorp Variant Classification Summary - May 2015. Collection method: clinical testing. Allele origin: germline.
Comment: Variant summary: LRP5 c.130C>T (p.Arg44Trp) results in a non-conservative amino acid change in the encoded protein sequence. Five of five in-silico tools predict a damaging effect of the variant on protein function. The variant allele was found at a frequency of 1.2e-05 in 248490 control chromosomes. The available data on variant occurrences in the general population are insufficient to allow any conclusion about variant significance. To our knowledge, no occurrence of c.130C>T in individuals affected with Familial Exudative Vitreoretinopathy and no experimental evidence demonstrating its impact on protein function have been reported. ClinVar contains an entry for this variant (Variation ID: 1046369). Based on the evidence outlined above, the variant was classified as uncertain significance.

Fulgent Genetics
Classification: Uncertain significance for Exudative vitreoretinopathy 1; Worth disease; Osteoporosis; Osteoporosis with pseudoglioma; Exudative vitreoretinopathy 4; Bone mineral density quantitative trait locus 1; Autosomal dominant osteopetrosis 1; Polycystic liver disease 4 with or without kidney cysts. Last evaluated: 2021-07-08. Review status: criteria provided, single submitter. Criteria: ACMG Guidelines, 2015. Collection method: clinical testing. Allele origin: unknown.

NM_002335.4(LRP5):c.130C>T (p.Arg44Trp)

Gene: LRP5 (LDL receptor related protein 5; plus strand). Cytogenetic location: 11q13.2.
Variant type: single nucleotide variant.
Coding change: c.130C>T on transcript NM_002335.4 (MANE Select); coding-DNA position 130, C replaced by T.
Protein change: p.Arg44Trp; replaces arginine 44 with tryptophan.
Molecular consequence: missense variant. On other transcripts: 5 prime UTR variant (1).
Genome position (GRCh38, 1-based): chr11:68,347,885, C>T. VCF-style: chr11-68347885-C-T. GRCh37 (hg19) VCF-style: chr11-68115353-C-T.
Other names: c.-1636C>T (NM_001291902.2); c.130C>T (NM_002335.3); short protein forms R44W.
Identifiers: ClinVar variation 1046369 (VCV001046369.12), dbSNP rs371690402, ClinGen allele CA6148915.